The following is an entry in ClinVar:

NM_001375524.1(TRRAP):c.5779G>A (p.Val1927Ile)

Gene: TRRAP (transformation/transcription domain associated protein; plus strand). Cytogenetic location: 7q22.1.
Variant type: single nucleotide variant.
Coding change: c.5779G>A on transcript NM_001375524.1 (MANE Select); coding-DNA position 5779, G replaced by A.
Protein change: p.Val1927Ile; replaces valine 1927 with isoleucine.
Molecular consequence: missense variant.
Genome position (GRCh38, 1-based): chr7:98,955,146, G>A. VCF-style: chr7-98955146-G-A. GRCh37 (hg19) VCF-style: chr7-98552769-G-A.
Other names: c.5758G>A, p.Val1920Ile (NM_001244580.2); c.5704G>A, p.Val1902Ile (NM_003496.4); short protein forms V1902I, V1920I, V1927I.
Identifiers: ClinVar variation 996833 (VCV000996833.6), dbSNP rs1791536912, ClinGen allele CA368322984.

ClinVar aggregate classification (germline): Uncertain significance. Review status: criteria provided, multiple submitters, no conflicts (2 of 4 stars). 2 submissions from 2 submitters: Uncertain significance (2). Last evaluated 2022-03-30.

Conditions:
Developmental delay with or without dysmorphic facies and autism. Identifiers: MedGen C5193106, MONDO:0032760, OMIM 618454.

Allele frequency attached by ClinVar (database versions not stated): gnomAD exomes below 0.00001.
gnomAD v4.1: 5 of 1,614,190 alleles (0.00031%); highest among the groups gnomAD compares: Middle Eastern, 0.016%; no homozygotes.

Submissions (2):

Labcorp Genetics (formerly Invitae), Labcorp
Classification: Uncertain significance. Last evaluated: 2022-03-30. Review status: criteria provided, single submitter. Criteria: Invitae Variant Classification Sherloc (09022015). Collection method: clinical testing. Allele origin: germline.
Comment: This sequence change replaces valine, which is neutral and non-polar, with isoleucine, which is neutral and non-polar, at codon 1902 of the TRRAP protein (p.Val1902Ile). In summary, the available evidence is currently insufficient to determine the role of this variant in disease. Therefore, it has been classified as a Variant of Uncertain Significance. Algorithms developed to predict the effect of missense changes on protein structure and function are either unavailable or do not agree on the potential impact of this missense change (SIFT: "Tolerated"; PolyPhen-2: "Probably Damaging"; Align-GVGD: "Class C0"). ClinVar contains an entry for this variant (Variation ID: 996833). This variant has not been reported in the literature in individuals affected with TRRAP-related conditions. This variant is not present in population databases (gnomAD no frequency).

New York Genome Center
Classification: Uncertain significance for Developmental delay with or without dysmorphic facies and autism. Last evaluated: 2019-09-03. Review status: criteria provided, single submitter. Criteria: NYGC Assertion Criteria 2020. Collection method: clinical testing. Allele origin: paternal. Inheritance: Autosomal dominant inheritance. Observed: 1 heterozygote. Study: CSER-NYCKidSeq. Segregation with disease not observed.